The following is an entry in ClinVar:

ClinVar aggregate classification (germline): Likely benign. Review status: criteria provided, multiple submitters, no conflicts (2 of 4 stars). 2 submissions from 2 submitters: Likely benign (2). Last evaluated 2018-01-13.

Conditions:
Leber congenital amaurosis 4 (LCA4). Identifiers: MedGen C1858386, MONDO:0011458, OMIM 604393.

Allele frequency attached by ClinVar (database versions not stated): ESP Exome Variant Server 0.00015; gnomAD exomes 0.00090 and 0.00367; gnomAD 0.00126 and 0.00165; TOPMed 0.00170; ExAC 0.00328; 1000 Genomes Project 30x 0.00906; 1000 Genomes Project 0.00958.

Submissions (2):

Illumina Laboratory Services, Illumina
Classification: Likely benign for Leber congenital amaurosis 4. Last evaluated: 2018-01-13. Review status: criteria provided, single submitter. Criteria: ICSL Variant Classification Criteria 13 December 2019. Collection method: clinical testing. Allele origin: germline.
Comment: This variant was observed in the ICSL laboratory as part of a predisposition screen in an ostensibly healthy population. It had not been previously curated by ICSL or reported in the Human Gene Mutation Database (HGMD: prior to June 1st, 2018), and was therefore a candidate for classification through an automated scoring system. Utilizing variant allele frequency, disease prevalence and penetrance estimates, and inheritance mode, an automated score was calculated to assess if this variant is too frequent to cause the disease. Based on the score and internal cut-off values, a variant classified as likely benign is not then subjected to further curation. The score for this variant resulted in a classification of likely benign for this disease.

Breakthrough Genomics
Classification: Likely benign. Review status: criteria provided, single submitter. Criteria: ACMG Guidelines, 2015. Collection method: not provided. Allele origin: germline. Inheritance: Autosomal recessive inheritance. Affected: yes.

NM_014336.5(AIPL1):c.*33A>C

Gene: AIPL1 (AIP like 1 HSP90 co-chaperone; minus strand). Cytogenetic location: 17p13.2.
Variant type: single nucleotide variant.
Coding change: c.*33A>C on transcript NM_014336.5 (MANE Select); 33 bases downstream of the stop codon, A replaced by C.
Molecular consequence: 3 prime UTR variant.
Genome position (GRCh38, 1-based): chr17:6,425,427, T>G on the plus strand (A>C on the coding strand, the complement: AIPL1 is on the minus strand). VCF-style: chr17-6425427-T-G. GRCh37 (hg19) VCF-style: chr17-6328747-T-G.
Other names: c.*33A>C (NM_001033054.3, NM_001033055.3, NM_001285399.3 and 3 more transcripts); c.*1159A>C (NM_001285403.4).
Identifiers: ClinVar variation 324609 (VCV000324609.7), dbSNP rs140472462, ClinGen allele CA8328293.